The following is an entry in ClinVar:

ClinVar aggregate classification (germline): Uncertain significance (1 of 4 stars; one submission).

Submission:

GeneDx
Classification: Uncertain significance. Last evaluated: 2021-04-26. Review status: criteria provided, single submitter. Criteria: GeneDx Variant Classification Process June 2021. Collection method: clinical testing. Allele origin: germline. Affected: yes.
Comment: Not observed in large population cohorts (Lek et al., 2016); In silico analysis supports that this missense variant has a deleterious effect on protein structure/function; Has not been previously published as pathogenic or benign to our knowledge

NM_021098.3(CACNA1H):c.2426G>A (p.Ser809Asn)

Gene: CACNA1H (calcium voltage-gated channel subunit alpha1 H; plus strand). Cytogenetic location: 16p13.3.
Variant type: single nucleotide variant.
Coding change: c.2426G>A on transcript NM_021098.3 (MANE Select); coding-DNA position 2426, G replaced by A.
Protein change: p.Ser809Asn; replaces serine 809 with asparagine.
Molecular consequence: missense variant.
Genome position (GRCh38, 1-based): chr16:1,204,433, G>A. VCF-style: chr16-1204433-G-A. GRCh37 (hg19) VCF-style: chr16-1254433-G-A.
Other names: c.2426G>A, p.Ser809Asn (NM_001005407.2); short protein forms S809N.
Identifiers: ClinVar variation 1321029 (VCV001321029.2), dbSNP rs2141281981, ClinGen allele CA394166586.